The following is an entry in ClinVar:

ClinVar aggregate classification (germline): Uncertain significance (1 of 4 stars; one submission).

Allele frequency attached by ClinVar (database versions not stated): gnomAD exomes below 0.00001; ExAC 0.00001.
gnomAD v4.1: 6 of 1,613,906 alleles (0.00037%); highest among the groups gnomAD compares: Non-Finnish European, 0.00042%; no homozygotes.

Submission:

Labcorp Genetics (formerly Invitae), Labcorp
Classification: Uncertain significance. Last evaluated: 2025-04-07. Review status: criteria provided, single submitter. Criteria: Invitae Variant Classification Sherloc (09022015). Collection method: clinical testing. Allele origin: germline.
Comment: This sequence change replaces valine, which is neutral and non-polar, with alanine, which is neutral and non-polar, at codon 285 of the EFTUD2 protein (p.Val285Ala). This variant is not present in population databases (gnomAD no frequency). This variant has not been reported in the literature in individuals affected with EFTUD2-related conditions. ClinVar contains an entry for this variant (Variation ID: 1362134). Invitae Evidence Modeling of protein sequence and biophysical properties (such as structural, functional, and spatial information, amino acid conservation, physicochemical variation, residue mobility, and thermodynamic stability) indicates that this missense variant is not expected to disrupt EFTUD2 protein function with a negative predictive value of 80%. In summary, the available evidence is currently insufficient to determine the role of this variant in disease. Therefore, it has been classified as a Variant of Uncertain Significance.

NM_004247.4(EFTUD2):c.854T>C (p.Val285Ala)

Gene: EFTUD2 (elongation factor Tu GTP binding domain containing 2; minus strand). Cytogenetic location: 17q21.31.
Variant type: single nucleotide variant.
Coding change: c.854T>C on transcript NM_004247.4 (MANE Select); coding-DNA position 854, T replaced by C.
Protein change: p.Val285Ala; replaces valine 285 with alanine.
Molecular consequence: missense variant.
Genome position (GRCh38, 1-based): chr17:44,875,949, A>G on the plus strand (T>C on the coding strand, the complement: EFTUD2 is on the minus strand). VCF-style: chr17-44875949-A-G. GRCh37 (hg19) VCF-style: chr17-42953317-A-G.
Other names: c.749T>C, p.Val250Ala (NM_001142605.2); c.854T>C, p.Val285Ala (NM_001258353.2); c.824T>C, p.Val275Ala (NM_001258354.2); short protein forms V250A, V275A, V285A.
Identifiers: ClinVar variation 1362134 (VCV001362134.8), dbSNP rs758438398, ClinGen allele CA8607976.